The following is an entry in ClinVar:

ClinVar aggregate classification (germline): Uncertain significance (1 of 4 stars; one submission).

Conditions:
Generalized epilepsy-paroxysmal dyskinesia syndrome (PNKD3). Also called: Generalized epilepsy and paroxysmal dyskinesia; Paroxysmal nonkinesigenic dyskinesia, 3, with or without generalized epilepsy. Identifiers: Orphanet 79137, MedGen C5574945, MONDO:0012276, OMIM 609446.

Allele frequency attached by ClinVar (database versions not stated): TOPMed below 0.00001.
gnomAD v4.1: 1 of 1,614,106 alleles (0.000062%); no homozygotes.

Submission:

Labcorp Genetics (formerly Invitae), Labcorp
Classification: Uncertain significance for Generalized epilepsy-paroxysmal dyskinesia syndrome. Last evaluated: 2025-07-10. Review status: criteria provided, single submitter. Criteria: Invitae Variant Classification Sherloc (09022015). Collection method: clinical testing. Allele origin: germline.
Comment: This sequence change replaces lysine, which is basic and polar, with glutamic acid, which is acidic and polar, at codon 710 of the KCNMA1 protein (p.Lys710Glu). This variant is not present in population databases (gnomAD no frequency). This variant has not been reported in the literature in individuals affected with KCNMA1-related conditions. ClinVar contains an entry for this variant (Variation ID: 3017958). Invitae Evidence Modeling of protein sequence and biophysical properties (such as structural, functional, and spatial information, amino acid conservation, physicochemical variation, residue mobility, and thermodynamic stability) indicates that this missense variant is not expected to disrupt KCNMA1 protein function with a negative predictive value of 80%. In summary, the available evidence is currently insufficient to determine the role of this variant in disease. Therefore, it has been classified as a Variant of Uncertain Significance.

NM_001161352.2(KCNMA1):c.2302A>G (p.Lys768Glu)

Genes: KCNMA1 (potassium calcium-activated channel subfamily M alpha 1; minus strand), KCNMA1-AS1 (KCNMA1 antisense RNA 1; plus strand). Cytogenetic location: 10q22.3.
Variant type: single nucleotide variant.
Coding change: c.2302A>G on transcript NM_001161352.2 (MANE Select); coding-DNA position 2302, A replaced by G.
Protein change: p.Lys768Glu; replaces lysine 768 with glutamic acid.
Molecular consequence: missense variant.
Genome position (GRCh38, 1-based): chr10:76,970,032, T>C on the plus strand (A>G on the coding strand, the complement: KCNMA1 is on the minus strand). VCF-style: chr10-76970032-T-C. GRCh37 (hg19) VCF-style: chr10-78729790-T-C.
Other names: c.2140A>G, p.Lys714Glu (NM_001014797.3, NM_001322835.2, NM_001322837.2); c.2128A>G, p.Lys710Glu (NM_001161353.2, NM_001322832.2, NM_001410940.1 and 1 more transcripts); c.1978A>G, p.Lys660Glu (NM_001271518.2); c.2137A>G, p.Lys713Glu (NM_001271519.2, NM_001322829.2, NM_001322836.2); c.2149A>G, p.Lys717Glu (NM_001322830.2); c.1675A>G, p.Lys559Glu (NM_001322838.2); short protein forms K559E, K660E, K714E, K768E, K713E, K717E, K710E.
Identifiers: ClinVar variation 3017958 (VCV003017958.3), dbSNP rs2075561366, ClinGen allele CA377408434.
Genomic context (GRCh38, chr10:76,970,032, plus strand): 5'-ACCTCATCAGCTTAGGCGAGGTGTTGGGTGAGTTCCGCATGCCTCCATTCCGTTGCTTTT[T>C]TTTTGGTGATAGTGTTGACGGCTGCTCATCTTCAACTGGAAATACAGGCAGCTCATGAGA-3'
Protein context (NP_001154824.1, residues 758-778): DEQPSTLSPK[Lys768Glu]KQRNGGMRNS